The following is an entry in ClinVar:

NM_000051.4(ATM):c.6601G>C (p.Val2201Leu)

Genes: ATM (ATM serine/threonine kinase; plus strand), C11orf65 (chromosome 11 open reading frame 65; minus strand). Cytogenetic location: 11q22.3.
Variant type: single nucleotide variant.
Coding change: c.6601G>C on transcript NM_000051.4 (MANE Select); coding-DNA position 6601, G replaced by C.
Protein change: p.Val2201Leu; replaces valine 2201 with leucine.
Molecular consequence: missense variant. On other transcripts: intron variant (2).
Genome position (GRCh38, 1-based): chr11:108,325,338, G>C. VCF-style: chr11-108325338-G-C. GRCh37 (hg19) VCF-style: chr11-108196065-G-C.
Other names: c.6601G>C, p.Val2201Leu (NM_001351834.2); c.641-16267C>G (NM_001330368.2); c.*38+9882C>G (NM_001351110.2); short protein forms V2201L.
Identifiers: ClinVar variation 2087480 (VCV002087480.4), dbSNP rs2547200197, ClinGen allele CA382554703.
Genomic context (GRCh38, chr11:108,325,338, plus strand): 5'-TGCTTACATGAACTCTATGTCGTGGCATTCAGATCAGTCACACATAGACAACTCTCTGAA[G>C]TATATATTAAGTGGCAGAAACACTCCCAGCTTCTCAAGGACAGTGATTTTAGTTTTCAGG-3'
Protein context (NP_000042.3, residues 2191-2211): RSVTHRQLSE[Val2201Leu]YIKWQKHSQL

ClinVar aggregate classification (germline): Uncertain significance (1 of 4 stars; one submission).

Conditions:
Ataxia-telangiectasia syndrome (AT). Also called: ATAXIA-TELANGIECTASIA, COMPLEMENTATION GROUP A; ATAXIA-TELANGIECTASIA, FRESNO VARIANT; Ataxia-telangiectasia; Ataxia-telangiectasia, complementation group E; LOUIS-BAR SYNDROME; Cerebello-oculocutaneous telangiectasia. Identifiers: Orphanet 100, MedGen C0004135, MONDO:0008840, OMIM 208900.

Submission:

Labcorp Genetics (formerly Invitae), Labcorp
Classification: Uncertain significance for Ataxia-telangiectasia syndrome. Last evaluated: 2022-01-18. Review status: criteria provided, single submitter. Criteria: Invitae Variant Classification Sherloc (09022015). Collection method: clinical testing. Allele origin: germline.
Comment: This sequence change replaces valine, which is neutral and non-polar, with leucine, which is neutral and non-polar, at codon 2201 of the ATM protein (p.Val2201Leu). This variant is not present in population databases (gnomAD no frequency). This variant has not been reported in the literature in individuals affected with ATM-related conditions. Advanced modeling of protein sequence and biophysical properties (such as structural, functional, and spatial information, amino acid conservation, physicochemical variation, residue mobility, and thermodynamic stability) performed at Invitae indicates that this missense variant is not expected to disrupt ATM protein function. In summary, the available evidence is currently insufficient to determine the role of this variant in disease. Therefore, it has been classified as a Variant of Uncertain Significance.